The following is an entry in ClinVar:

ClinVar aggregate classification (germline): Uncertain significance (1 of 4 stars; one submission).

Conditions:
Methylmalonic aciduria, cblA type (MACA). Also called: Methylmalonic aciduria, vitamin b12-responsive, due to defect in synthesis of adenosylcobalamin, cbla complementation type; MMA cbl A type; Methylmalonic acidemia cblA type; Methylmalonic aciduria, vitamin B12-responsive; Vitamin B12-responsive methylmalonic acidemia type cblA. Identifiers: Orphanet 28, Orphanet 79310, MedGen C1855109, MONDO:0009613, OMIM 251100.

Allele frequency attached by ClinVar (database versions not stated): TOPMed below 0.00001; gnomAD 0.00001.
gnomAD v4.1: 1 of 1,614,050 alleles (0.000062%); highest among the groups gnomAD compares: African/African-American, 0.0013%; no homozygotes.

Submission:

Labcorp Genetics (formerly Invitae), Labcorp
Classification: Uncertain significance for Methylmalonic aciduria, cblA type. Last evaluated: 2021-09-24. Review status: criteria provided, single submitter. Criteria: Invitae Variant Classification Sherloc (09022015). Collection method: clinical testing. Allele origin: germline.
Comment: This sequence change replaces aspartic acid with histidine at codon 255 of the MMAA protein (p.Asp255His). The aspartic acid residue is highly conserved and there is a moderate physicochemical difference between aspartic acid and histidine. This variant is not present in population databases (ExAC no frequency). This variant has not been reported in the literature in individuals with MMAA-related conditions. Algorithms developed to predict the effect of missense changes on protein structure and function are either unavailable or do not agree on the potential impact of this missense change (SIFT: "Deleterious"; PolyPhen-2: "Benign"; Align-GVGD: "Class C65"). In summary, the available evidence is currently insufficient to determine the role of this variant in disease. Therefore, it has been classified as a Variant of Uncertain Significance.

NM_172250.3(MMAA):c.763G>C (p.Asp255His)

Gene: MMAA (metabolism of cobalamin associated A; plus strand). Cytogenetic location: 4q31.21.
Variant type: single nucleotide variant.
Coding change: c.763G>C on transcript NM_172250.3 (MANE Select); coding-DNA position 763, G replaced by C.
Protein change: p.Asp255His; replaces aspartic acid 255 with histidine.
Molecular consequence: missense variant.
Genome position (GRCh38, 1-based): chr4:145,651,091, G>C. VCF-style: chr4-145651091-G-C. GRCh37 (hg19) VCF-style: chr4-146572243-G-C.
Other names: c.763G>C, p.Asp255His (NM_001375644.1); short protein forms D255H.
Identifiers: ClinVar variation 1525625 (VCV001525625.5), dbSNP rs1267434098, ClinGen allele CA358341462.